The following is an entry in ClinVar:

NM_000377.3(WAS):c.1458A>C (p.Glu486Asp)

Gene: WAS (WASP actin nucleation promoting factor; plus strand). Cytogenetic location: Xp11.23.
Variant type: single nucleotide variant.
Coding change: c.1458A>C on transcript NM_000377.3 (MANE Select); coding-DNA position 1458, A replaced by C.
Protein change: p.Glu486Asp; replaces glutamic acid 486 with aspartic acid.
Molecular consequence: missense variant.
Genome position (GRCh38, 1-based): chrX:48,691,111, A>C. VCF-style: chrX-48691111-A-C. GRCh37 (hg19) VCF-style: chrX-48549502-A-C.
Other names: short protein forms E486D.
Identifiers: ClinVar variation 1372408 (VCV001372408.7), dbSNP rs975384814, ClinGen allele CA329103328.

ClinVar aggregate classification (germline): Uncertain significance (1 of 4 stars; one submission).

Conditions:
Wiskott-Aldrich syndrome (WAS). Also called: ALDRICH SYNDROME; IMMUNODEFICIENCY 2; WISKOTT-ALDRICH SYNDROME 1; Wiskott-aldrich syndrome, somatic. Identifiers: Orphanet 906, MedGen C0043194, MONDO:0010518, OMIM 301000.
X-linked severe congenital neutropenia (SCNX). Identifiers: Orphanet 86788, MedGen C1845987, MONDO:0010294, OMIM 300299.
Thrombocytopenia 1. Also called: X-Linked Thrombocytopenia (XLT); THROMBOCYTOPENIA, X-LINKED, 1; X-linked thrombocytopenia with normal platelets. Identifiers: Orphanet 268322, Orphanet 852, MedGen C1839163, MONDO:0010743, OMIM 313900.

Allele frequency attached by ClinVar (database versions not stated): gnomAD exomes 0.00002.
gnomAD v4.1: 11 of 1,210,518 alleles (0.00091%); highest among the groups gnomAD compares: Non-Finnish European, 0.0012%; no homozygotes.

Submission:

Labcorp Genetics (formerly Invitae), Labcorp
Classification: Uncertain significance for Wiskott-Aldrich syndrome; X-linked severe congenital neutropenia; Thrombocytopenia 1. Last evaluated: 2024-09-28. Review status: criteria provided, single submitter. Criteria: Invitae Variant Classification Sherloc (09022015). Collection method: clinical testing. Allele origin: germline.
Comment: This sequence change replaces glutamic acid, which is acidic and polar, with aspartic acid, which is acidic and polar, at codon 486 of the WAS protein (p.Glu486Asp). This variant is not present in population databases (gnomAD no frequency). This variant has not been reported in the literature in individuals affected with WAS-related conditions. ClinVar contains an entry for this variant (Variation ID: 1372408). Invitae Evidence Modeling of protein sequence and biophysical properties (such as structural, functional, and spatial information, amino acid conservation, physicochemical variation, residue mobility, and thermodynamic stability) indicates that this missense variant is not expected to disrupt WAS protein function with a negative predictive value of 95%. In summary, the available evidence is currently insufficient to determine the role of this variant in disease. Therefore, it has been classified as a Variant of Uncertain Significance.